The following is an entry in ClinVar:

ClinVar aggregate classification (germline): Likely benign. Review status: criteria provided, single submitter (1 of 4 stars). 2 submissions from 2 submitters: Likely benign (1). 1 of the submissions does not count toward it. Last evaluated 2025-12-29.

Conditions:
CERS3-related disorder. Also called: CERS3-related condition.

Allele frequency attached by ClinVar (database versions not stated): gnomAD 0.00013; ExAC 0.00015; TOPMed 0.00019; ESP Exome Variant Server 0.00023; gnomAD exomes 0.00024.
gnomAD v4.1: 364 of 1,613,834 alleles (0.023%); highest among the groups gnomAD compares: Non-Finnish European, 0.029%; 1 homozygote.

Submissions (2):

Labcorp Genetics (formerly Invitae), Labcorp
Classification: Likely benign. Last evaluated: 2025-12-29. Review status: criteria provided, single submitter. Criteria: Invitae Variant Classification Sherloc (09022015). Collection method: clinical testing. Allele origin: germline.

PreventionGenetics, part of Exact Sciences
Classification: Likely benign for CERS3-related condition. Last evaluated: 2020-02-25. Review status: no assertion criteria provided. Collection method: clinical testing. Allele origin: germline. Not counted in ClinVar's aggregate classification.
Comment: This variant is classified as likely benign based on ACMG/AMP sequence variant interpretation guidelines (Richards et al. 2015 PMID: 25741868, with internal and published modifications).

NM_001378789.1(CERS3):c.804C>T (p.Ser268=)

Gene: CERS3 (ceramide synthase 3; minus strand). Cytogenetic location: 15q26.3.
Variant type: single nucleotide variant.
Coding change: c.804C>T on transcript NM_001378789.1 (MANE Select); coding-DNA position 804, C replaced by T.
Protein change: p.Ser268=; no amino-acid change (serine 268 retained).
Molecular consequence: synonymous variant.
Genome position (GRCh38, 1-based): chr15:100,469,419, G>A on the plus strand (C>T on the coding strand, the complement: CERS3 is on the minus strand). VCF-style: chr15-100469419-G-A. GRCh37 (hg19) VCF-style: chr15-101009624-G-A.
Other names: c.837C>T, p.Ser279= (NM_001290341.2); c.804C>T, p.Ser268= (NM_001290342.2, NM_001290343.2, NM_178842.5).
Identifiers: ClinVar variation 3042284 (VCV003042284.3), dbSNP rs146792407, ClinGen allele CA7758922.